The following is an entry in ClinVar:

ClinVar aggregate classification (germline): Pathogenic/Likely pathogenic. Review status: criteria provided, multiple submitters, no conflicts (2 of 4 stars). 10 submissions from 10 submitters: Pathogenic (8); Likely pathogenic (1). 1 of the submissions does not count toward it. Last evaluated 2026-01-16.

Conditions:
GLB1-related disorder. Also called: GLB1-related disorders. Identifiers: MedGen CN377807.
Infantile GM1 gangliosidosis. Also called: GM1-gangliosidosis, type I; Gangliosidosis, generalized GM1, infantile form; GLB1 deficiency; GM1 gangliosidosis type 1; Gangliosidosis, Generalized GM1, Type 1. Identifiers: Orphanet 354, Orphanet 79255, MedGen C0268271, MONDO:0009260, OMIM 230500.
GM1 gangliosidosis type 2. Also called: Gangliosidosis, Generalized GM1, Type 2; GM1-GANGLIOSIDOSIS, TYPE II; GANGLIOSIDOSIS, GENERALIZED GM1, JUVENILE TYPE; GANGLIOSIDOSIS, GENERALIZED GM1, TYPE II; Juvenile GM>1< gangliosidosis. Identifiers: Orphanet 354, Orphanet 79256, MedGen C0268272, MONDO:0009261, OMIM 230600.
Mucopolysaccharidosis, MPS-IV-B (MPS4B). Also called: Mucopolysaccharidosis type 4B; Mucopolysaccharidosis type IVB (Morquio); MPS IVB; Mucopolysaccharidosis type IV B; Mucopolysaccharidosis Type IVB (Morquio B Disease); MORQUIO SYNDROME B. Identifiers: Orphanet 309310, Orphanet 582, MedGen C0086652, MONDO:0009660, OMIM 253010.
GM1 gangliosidosis type 3. Also called: Gangliosidosis, Generalized GM1, Type 3; GM1-GANGLIOSIDOSIS, TYPE III; GANGLIOSIDOSIS, GENERALIZED GM1, ADULT TYPE; GANGLIOSIDOSIS, GENERALIZED GM1, CHRONIC TYPE; GANGLIOSIDOSIS, GENERALIZED GM1, TYPE III; Beta-galactosidase deficiency. Identifiers: Orphanet 79257, MedGen C0268273, MONDO:0009262, OMIM 230650.
GM1 gangliosidosis. Identifiers: Orphanet 354, MedGen C0085131, MONDO:0018149.

Allele frequency attached by ClinVar (database versions not stated): TOPMed 0.00008; 1000 Genomes Project 0.00020; ESP Exome Variant Server 0.00025; 1000 Genomes Project 30x 0.00031.
gnomAD v4.1: 132 of 1,613,974 alleles (0.0082%); highest among the groups gnomAD compares: Non-Finnish European, 0.01%; no homozygotes.

Submissions (11):

Women's Health and Genetics/Laboratory Corporation of America, LabCorp
Classification: Pathogenic for GM1 gangliosidosis. Last evaluated: 2026-01-16. Review status: criteria provided, single submitter. Criteria: LabCorp Variant Classification Summary - May 2015. Collection method: clinical testing. Allele origin: germline.
Comment: Variant summary: GLB1 c.442C>A (p.Arg148Ser) results in a non-conservative amino acid change located in the Glycoside hydrolase 35, catalytic domain of the encoded protein sequence. Algorithms developed to predict the effect of missense changes on protein structure and function all suggest that this variant is likely to be disruptive. The variant allele was found at a frequency of 3.6e-05 in 249376 control chromosomes. c.442C>A has been observed in individual(s) affected with GM1 Gangliosidosis (Zhang_2000, Hofer_2010, Nestrasil_2018). These data indicate that the variant is likely to be associated with disease. Two different variants affecting the same codon has been classified as likely pathogenic/pathogenic by our lab (p.Arg148Cys and p.Arg148His), supporting the critical relevance of codon 148 to GLB1 protein function. At least one publication reports experimental evidence evaluating an impact on protein maturation and enzyme activity, with both being significantly reduced in the presence of the variant (Zhang_2000). The following publications have been ascertained in the context of this evaluation (PMID: 10841810, 10839995, 20175788, 29352662, 25600812, 15365997). ClinVar contains an entry for this variant (Variation ID: 551757). Based on the evidence outlined above, the variant was classified as pathogenic.

PreventionGenetics, part of Exact Sciences
Classification: Pathogenic for GLB1-related condition. Last evaluated: 2026-01-09. Review status: criteria provided, single submitter. Criteria: ACMG Guidelines, 2015. Collection method: clinical testing. Allele origin: germline.
Comment: The GLB1 c.442C>A variant is predicted to result in the amino acid substitution p.Arg148Ser. This variant has been reported in multiple individuals with GM1 gangliosidosis (see for example, Hinek et al. 2000. PubMed ID: 10841810; Table 1, Hofer et al. 2010. PubMed ID: 20175788; Table 1, Nestrasil et al. 2017. PubMed ID: 29352662). An in vitro experimental study suggests this variant impacts protein function (Table 2, Zhang et al. 2000. PubMed ID: 10839995). This variant is reported in 0.0086% of alleles in individuals of European (Non-Finnish) descent in gnomAD. Additionally, two different nucleotide changes that affect the same amino acid (p.Arg148Cys and p.Arg148His) have been classified as pathogenic and likely pathogenic, respectively (Internal Data, PreventionGenetics). The p.Arg148Ser variant is interpreted as pathogenic.

Labcorp Genetics (formerly Invitae), Labcorp
Classification: Pathogenic for Mucopolysaccharidosis, MPS-IV-B; GM1 gangliosidosis. Last evaluated: 2025-12-11. Review status: criteria provided, single submitter. Criteria: Invitae Variant Classification Sherloc (09022015). Collection method: clinical testing. Allele origin: germline.
Comment: This sequence change replaces arginine, which is basic and polar, with serine, which is neutral and polar, at codon 148 of the GLB1 protein (p.Arg148Ser). This variant is present in population databases (rs192732174, gnomAD 0.009%). This missense change has been observed in individual(s) with GM1 gangliosidosis (PMID: 10839995, 20175788, 25600812). ClinVar contains an entry for this variant (Variation ID: 551757). Invitae Evidence Modeling of protein sequence and biophysical properties (such as structural, functional, and spatial information, amino acid conservation, physicochemical variation, residue mobility, and thermodynamic stability) indicates that this missense variant is expected to disrupt GLB1 protein function with a positive predictive value of 95%. Experimental studies have shown that this missense change affects GLB1 function (PMID: 10839995). This variant disrupts the p.Arg148 amino acid residue in GLB1. Other variant(s) that disrupt this residue have been determined to be pathogenic (PMID: 15986423, 17221873, 23151865, 25936995). This suggests that this residue is clinically significant, and that variants that disrupt this residue are likely to be disease-causing. For these reasons, this variant has been classified as Pathogenic.

Natera, Inc.
Classification: Pathogenic for Mucopolysaccharidosis, MPS-IV-B. Last evaluated: 2025-09-22. Review status: criteria provided, single submitter. Criteria: Natera Variant Classification Schema (03/2026). Collection method: clinical testing. Allele origin: germline.
Comment: The c.442C>A variant in GLB1 is a missense variant predicted to cause substitution of arginine to serine at amino acid 148. This variant is rare in the general population with a frequency below the threshold expected for the associated phenotype(s). This variant has been observed in one or more individuals affected with the associated recessive disease, as either homozygous or compound heterozygous with a second variant (PMID: 10839995, 2715932). A different variant at the same position has been determined to be Pathogenic or Likely Pathogenic. Computational prediction algorithms indicate this variant is likely to affect gene or protein function. Given the available evidence, this variant is classified as Pathogenic.

Blueprint Genetics
Classification: Pathogenic for GLB1-related disorders. Last evaluated: 2024-10-25. Review status: criteria provided, single submitter. Criteria: ACMG Guidelines, 2015. Collection method: clinical testing. Allele origin: germline. Affected: yes. Observed: 4 variant alleles.

Fulgent Genetics
Classification: Likely pathogenic for Infantile GM1 gangliosidosis; GM1 gangliosidosis type 2; GM1 gangliosidosis type 3; Mucopolysaccharidosis, MPS-IV-B. Last evaluated: 2023-12-23. Review status: criteria provided, single submitter. Criteria: ACMG Guidelines, 2015. Collection method: clinical testing. Allele origin: germline.

Revvity Omics, Revvity
Classification: Pathogenic. Last evaluated: 2022-01-25. Review status: criteria provided, single submitter. Criteria: ACMG Guidelines, 2015. Collection method: clinical testing. Allele origin: germline.

GeneDx
Classification: Pathogenic. Last evaluated: 2021-08-02. Review status: criteria provided, single submitter. Criteria: GeneDx Variant Classification Process June 2021. Collection method: clinical testing. Allele origin: germline. Affected: yes.
Comment: Published functional studies demonstrate R148S leads to a decrease in enzymatic activity (Zhang et al., 2000); Not observed at significant frequency in large population cohorts (Lek et al., 2016); In silico analysis supports that this missense variant has a deleterious effect on protein structure/function; This variant is associated with the following publications: (PMID: 20175788, 10839995, 33240792, 16674934, 29352662, 15365997, 16763919, 25600812, 18353697, 22784478, 10841810, 24024947)

Eurofins Ntd Llc (ga)
Classification: Pathogenic. Last evaluated: 2018-01-17. Review status: criteria provided, single submitter. Criteria: EGL Classification Definitions 2015. Collection method: clinical testing. Allele origin: germline. Observed: 5 variant alleles, 5 heterozygotes.

Counsyl
Classification: Likely pathogenic for Infantile GM1 gangliosidosis; GM1 gangliosidosis type 2; GM1 gangliosidosis type 3; Mucopolysaccharidosis, MPS-IV-B. Last evaluated: 2017-05-15. Review status: no assertion criteria provided. Collection method: clinical testing. Allele origin: unknown. Not counted in ClinVar's aggregate classification.

Dr. Peter K. Rogan Lab, Western University
No classification provided (evidence only). Condition: Lung cancer. Review status: no classification provided. Collection method: in vitro. Allele origin: not applicable. Functional consequence: retained intron. Not counted in ClinVar's aggregate classification.

Literature cited by the submitters: PubMed 10841810 (cited by Women's Health and Genetics/Laboratory Corporation of America, LabCorp and Counsyl); PubMed 10839995 (cited by 5 submitters); PubMed 20175788 (cited by 4 submitters); PubMed 29352662 (cited by Women's Health and Genetics/Laboratory Corporation of America, LabCorp); PubMed 25600812 (cited by 3 submitters); PubMed 15365997 (cited by Women's Health and Genetics/Laboratory Corporation of America, LabCorp); PubMed 15986423 (cited by Labcorp Genetics (formerly Invitae), Labcorp); PubMed 17221873 (cited by Labcorp Genetics (formerly Invitae), Labcorp); PubMed 23151865 (cited by Labcorp Genetics (formerly Invitae), Labcorp); PubMed 25936995 (cited by Labcorp Genetics (formerly Invitae), Labcorp); PubMed 2715932 (cited by Natera, Inc.).

NM_000404.4(GLB1):c.442C>A (p.Arg148Ser)

Gene: GLB1 (galactosidase beta 1; minus strand). Cytogenetic location: 3p22.3.
Variant type: single nucleotide variant.
Coding change: c.442C>A on transcript NM_000404.4 (MANE Select); coding-DNA position 442, C replaced by A.
Protein change: p.Arg148Ser; replaces arginine 148 with serine.
Molecular consequence: missense variant. On other transcripts: intron variant (1).
Genome position (GRCh38, 1-based): chr3:33,068,245, G>T on the plus strand (C>A on the coding strand, the complement: GLB1 is on the minus strand). VCF-style: chr3-33068245-G-T. GRCh37 (hg19) VCF-style: chr3-33109737-G-T.
Other names: c.352C>A, p.Arg118Ser (NM_001079811.3); c.586C>A, p.Arg196Ser (NM_001317040.2); c.442C>A, p.Arg148Ser (NM_001393580.1); c.246-2688C>A (NM_001135602.3); c.442C>A (NM_000404.3); short protein forms R148S, R118S, R196S.
Identifiers: ClinVar variation 551757 (VCV000551757.29), dbSNP rs192732174, ClinGen allele CA2299703.